The following is an entry in ClinVar:

NM_001353921.2(ARHGEF9):c.1300G>T (p.Val434Leu)

Gene: ARHGEF9 (Cdc42 guanine nucleotide exchange factor 9; minus strand). Cytogenetic location: Xq11.1.
Variant type: single nucleotide variant.
Coding change: c.1300G>T on transcript NM_001353921.2 (MANE Select); coding-DNA position 1300, G replaced by T.
Protein change: p.Val434Leu; replaces valine 434 with leucine.
Molecular consequence: missense variant. On other transcripts: intron variant (2).
Genome position (GRCh38, 1-based): chrX:63,655,515, C>A on the plus strand (G>T on the coding strand, the complement: ARHGEF9 is on the minus strand). VCF-style: chrX-63655515-C-A. GRCh37 (hg19) VCF-style: chrX-62875395-C-A.
Other names: c.973G>T, p.Val325Leu (NM_001173480.2, NM_001369042.1); c.1216G>T, p.Val406Leu (NM_001330495.2, NM_001369033.1, NM_001369034.1 and 4 more transcripts); c.1120G>T, p.Val374Leu (NM_001173479.2); c.1168G>T, p.Val390Leu (NM_001353922.2); c.1318G>T, p.Val440Leu (NM_001353923.1); c.1099G>T, p.Val367Leu (NM_001353924.2, NM_001353926.2, NM_001369039.1 and 1 more transcripts); c.1084G>T, p.Val362Leu (NM_001353927.2, NM_001369041.1); c.1147G>T, p.Val383Leu (NM_001353928.2); and 3 more; short protein forms V245L, V325L, V362L, V367L, V374L, V383L, V390L, V406L.
Identifiers: ClinVar variation 1718697 (VCV001718697.6), dbSNP rs2519615862, ClinGen allele CA413404014.
Genomic context (GRCh38, chrX:63,655,515, plus strand): 5'-TCATAGCCATGTTCTTCTTTCTACTCTCAGGTCACTTACCAATTTTTTCATCTTCCTGTA[C>A]CATTTTCCTCTCTTCTCTGAAAGCCCTGAGCCAGCGTATTTTTTCCTCCAGCTTCTTGGC-3'
Protein context (NP_001340850.1, residues 424-444): LRAFREERKM[Val434Leu]QEDEKIGFEI

ClinVar aggregate classification (germline): Uncertain significance (1 of 4 stars; one submission).

Conditions:
Developmental and epileptic encephalopathy, 8 (DEE8). Also called: HYPEREKPLEXIA AND EPILEPSY. Identifiers: Orphanet 163985, Orphanet 2076, MedGen C1845102, MONDO:0010375, OMIM 300607.

Submission:

Labcorp Genetics (formerly Invitae), Labcorp
Classification: Uncertain significance for Developmental and epileptic encephalopathy, 8. Last evaluated: 2022-09-28. Review status: criteria provided, single submitter. Criteria: Invitae Variant Classification Sherloc (09022015). Collection method: clinical testing. Allele origin: germline.
Comment: This sequence change replaces valine, which is neutral and non-polar, with leucine, which is neutral and non-polar, at codon 427 of the ARHGEF9 protein (p.Val427Leu). In summary, the available evidence is currently insufficient to determine the role of this variant in disease. Therefore, it has been classified as a Variant of Uncertain Significance. Algorithms developed to predict the effect of missense changes on protein structure and function (SIFT, PolyPhen-2, Align-GVGD) all suggest that this variant is likely to be disruptive. This variant has not been reported in the literature in individuals affected with ARHGEF9-related conditions. This variant is not present in population databases (gnomAD no frequency).